The following continues an entry in ClinVar:

NM_000051.4(ATM):c.4414T>G (p.Leu1472Val)

Gene: ATM. ClinVar aggregate classification (germline): Conflicting classifications of pathogenicity. Uncertain significance (11); Likely benign (8).

Submissions 16 to 21 of 21:

Sema4
Classification: Uncertain significance for Hereditary cancer-predisposing syndrome. Last evaluated: 2021-09-09. Review status: criteria provided, single submitter. Criteria: Sema4 Curation Guidelines. Collection method: curation. Allele origin: germline.
Comment: The ATM c.4414T>G (p.L1472V) variant has been reported in multiple individuals with breast, ovarian, prostate, kidney, or a Lynch syndrome-related cancer (PMID: 33471991, 30309722, 30303537, 31227566, 20305132, 21787400, 25980754, 28779002, 29659569, 29684080, 34359559, 33606809), and has also been reported in healthy controls (PMID: 33471991). It has also been reported in a patient diagnosed with synchronous melanoma and clear cell renal cell carcinoma who also carried a BRCA2 pathogenic variant (PMID: 31227566). It was observed in 13/35366 chromosomes of the Latino subpopulation, with no homozygotes, in the large and broad cohorts of the Genome Aggregation Database (PMID: 32461654). The variant has been reported in ClinVar (Variation ID 127390). Functional studies have not been performed, and in silico predictions of the variant's effect on protein function are inconclusive. The evidence is insufficient to meet ACMG/AMP criteria for classifying the variant as benign or pathogenic. Thus, the clinical significance of this variant is currently uncertain.

GeneDx
Classification: Likely benign. Last evaluated: 2020-12-23. Review status: criteria provided, single submitter. Criteria: GeneDx Variant Classification Process June 2021. Collection method: clinical testing. Allele origin: germline. Affected: yes.
Comment: In silico analysis, which includes protein predictors and evolutionary conservation, supports that this variant does not alter protein structure/function; Observed in individuals with ATM-related and other cancers; however, in one patient a BRCA2 frameshift variant was also identified (Bernstein 2010, Yurgelun 2015, Decker 2017, Paulo 2018, Yehia 2018, Snow 2019); This variant is associated with the following publications: (PMID: 25980754, 28779002, 29659569, 27588518, 30309722, 30303537, 21787400, 20305132, 29684080, 31227566)

Division of Medical Genetics, University of Washington
Classification: Uncertain significance for Familial cancer of breast. Last evaluated: 2019-10-08. Review status: criteria provided, single submitter. Criteria: ACMG Guidelines, 2015. Collection method: clinical testing. Allele origin: germline. Affected: no. Study: CSER_CHARM.
Comment: This variant has been reported in the literature in individuals with different types of cancer, including breast cancer (Bernstein 2010, Yurgelun 2015, Decker 2017, Yehia 2018). This variant has an overall allele frequency of 0.00008 in the Broad Institute gnomAD Browser. In silico analyses indicate that this variant may not alter protein structure/function. Thus, it is unknown at this time whether this variant increases cancer risk. BP4

Fulgent Genetics
Classification: Uncertain significance for Familial cancer of breast; Ataxia-telangiectasia syndrome. Last evaluated: 2017-05-23. Review status: criteria provided, single submitter. Criteria: ACMG Guidelines, 2015. Collection method: clinical testing. Allele origin: unknown.

Clinical Genetics Laboratory, Department of Pathology, Netherlands Cancer Institute
Classification: Uncertain significance. Review status: no assertion criteria provided. Collection method: clinical testing. Allele origin: germline. Affected: yes. Study: VKGL Data-share Consensus. Not counted in ClinVar's aggregate classification.

Joint Genome Diagnostic Labs from Nijmegen and Maastricht, Radboudumc and MUMC+
Classification: Uncertain significance. Review status: no assertion criteria provided. Collection method: clinical testing. Allele origin: germline. Affected: yes. Study: VKGL Data-share Consensus. Not counted in ClinVar's aggregate classification.

Literature cited by the submitters: PubMed 20305132 (cited by 4 submitters); PubMed 25980754 (cited by 3 submitters); PubMed 33471991 (cited by Color Diagnostics, LLC DBA Color Health and Sema4); PubMed 33606809 (cited by 3 submitters); PubMed 25085752 (cited by Myriad Genetics, Inc.); PubMed 21787400 (cited by 3 submitters); PubMed 28779002 (cited by Ambry Genetics and Sema4); PubMed 29659569 (cited by 3 submitters); PubMed 29684080 (cited by Ambry Genetics and Sema4); PubMed 30303537 (cited by 3 submitters); PubMed 30309722 (cited by Ambry Genetics and Sema4); PubMed 31227566 (cited by 3 submitters); PubMed 34359559 (cited by Sema4).